The following is an entry in ClinVar:

NM_000179.3(MSH6):c.75C>A (p.Ala25=)

Gene: MSH6 (mutS homolog 6; plus strand). Cytogenetic location: 2p16.3.
Variant type: single nucleotide variant.
Coding change: c.75C>A on transcript NM_000179.3 (MANE Select); coding-DNA position 75, C replaced by A.
Protein change: p.Ala25=; no amino-acid change (alanine 25 retained).
Molecular consequence: synonymous variant. On other transcripts: 5 prime UTR variant (7), missense variant (1), non-coding transcript variant (5), intron variant (5).
Genome position (GRCh38, 1-based): chr2:47,783,308, C>A. VCF-style: chr2-47783308-C-A. GRCh37 (hg19) VCF-style: chr2-48010447-C-A.
Other names: c.75C>A, p.Ala25= (NM_001281492.2, NM_001406795.1, NM_001406796.1 and 9 more transcripts); c.-662C>A (NM_001281493.2, NM_001406811.1); c.-254C>A (NM_001406799.1); c.20C>A, p.Pro7Gln (NM_001406804.1); c.-854C>A (NM_001406807.1); c.-509C>A (NM_001406812.1); c.-920C>A (NM_001406814.1); c.-465C>A (NM_001406816.1); and 3 more; short protein forms P7Q.
Identifiers: ClinVar variation 3398955 (VCV003398955.2).

ClinVar aggregate classification (germline): Benign/Likely benign. Review status: criteria provided, multiple submitters, no conflicts (2 of 4 stars). 2 submissions from 2 submitters: Benign (1); Likely benign (1). Last evaluated 2024-12-17.

Conditions:
Hereditary cancer-predisposing syndrome. Also called: Hereditary Cancer Syndrome; Tumor predisposition; Hereditary neoplastic syndrome; Neoplastic Syndromes, Hereditary. Identifiers: Orphanet 140162, MedGen C0027672, MeSH D009386, MONDO:0015356.
Lynch syndrome 5 (LYNCH5). Also called: Hereditary non-polyposis colorectal cancer, type 5; Colorectal cancer, hereditary nonpolyposis, type 5. Identifiers: Orphanet 144, MedGen C1833477, MONDO:0013710, OMIM 614350. Disease mechanism: loss of function.

Submissions (2):

Myriad Genetics, Inc.
Classification: Benign for Lynch syndrome 5. Last evaluated: 2024-12-17. Review status: criteria provided, single submitter. Criteria: Myriad Autosomal Dominant, Autosomal Recessive and X-Linked Classification Criteria (2023). Collection method: clinical testing. Allele origin: unknown.
Comment: This variant is considered benign. This variant is a silent/synonymous amino acid change and it is not expected to impact splicing.

Ambry Genetics
Classification: Likely benign for Hereditary cancer-predisposing syndrome. Last evaluated: 2024-11-05. Review status: criteria provided, single submitter. Criteria: Ambry Variant Classification Scheme 2023. Collection method: clinical testing. Allele origin: germline.